The following is an entry in ClinVar:

NM_152594.3(SPRED1):c.428A>G (p.Asn143Ser)

Gene: SPRED1 (sprouty related EVH1 domain containing 1; plus strand). Cytogenetic location: 15q14.
Variant type: single nucleotide variant.
Coding change: c.428A>G on transcript NM_152594.3 (MANE Select); coding-DNA position 428, A replaced by G.
Protein change: p.Asn143Ser; replaces asparagine 143 with serine.
Molecular consequence: missense variant.
Genome position (GRCh38, 1-based): chr15:38,339,741, A>G. VCF-style: chr15-38339741-A-G. GRCh37 (hg19) VCF-style: chr15-38631942-A-G.
Other names: c.428A>G (NM_152594.2); short protein forms N143S.
Identifiers: ClinVar variation 3672226 (VCV003672226.3).

ClinVar aggregate classification (germline): Uncertain significance. Review status: criteria provided, multiple submitters, no conflicts (2 of 4 stars). 2 submissions from 2 submitters: Uncertain significance (2). Last evaluated 2025-09-19.

Conditions:
Legius syndrome. Identifiers: Orphanet 137605, MedGen C1969623, MONDO:0012669, OMIM 611431. Disease mechanism: loss of function.
Cardiovascular phenotype. Identifiers: MedGen CN230736.

Submissions (2):

Ambry Genetics
Classification: Uncertain significance for Cardiovascular phenotype. Last evaluated: 2025-09-19. Review status: criteria provided, single submitter. Criteria: Ambry Variant Classification Scheme 2023. Collection method: clinical testing. Allele origin: germline.
Comment: The p.N143S variant (also known as c.428A>G), located in coding exon 5 of the SPRED1 gene, results from an A to G substitution at nucleotide position 428. The asparagine at codon 143 is replaced by serine, an amino acid with highly similar properties. This amino acid position is conserved. In addition, this alteration is predicted to be tolerated by in silico analysis. Based on the available evidence, the clinical significance of this variant remains unclear.

Labcorp Genetics (formerly Invitae), Labcorp
Classification: Uncertain significance for Legius syndrome. Last evaluated: 2024-09-26. Review status: criteria provided, single submitter. Criteria: Invitae Variant Classification Sherloc (09022015). Collection method: clinical testing. Allele origin: germline.
Comment: This sequence change replaces asparagine, which is neutral and polar, with serine, which is neutral and polar, at codon 143 of the SPRED1 protein (p.Asn143Ser). This variant is not present in population databases (gnomAD no frequency). This variant has not been reported in the literature in individuals affected with SPRED1-related conditions. Invitae Evidence Modeling of protein sequence and biophysical properties (such as structural, functional, and spatial information, amino acid conservation, physicochemical variation, residue mobility, and thermodynamic stability) indicates that this missense variant is not expected to disrupt SPRED1 protein function with a negative predictive value of 80%. In summary, the available evidence is currently insufficient to determine the role of this variant in disease. Therefore, it has been classified as a Variant of Uncertain Significance.